The following is an entry in ClinVar:

ClinVar aggregate classification (germline): Uncertain significance (1 of 4 stars; one submission).

Conditions:
Weaver syndrome (WVS). Also called: Weaver Smith syndrome; Overgrowth syndrome with accelerated skeletal maturation, unusual facies, and camptodactyly. Identifiers: Orphanet 3447, MedGen C0265210, MONDO:0010193, OMIM 277590.

Submission:

Labcorp Genetics (formerly Invitae), Labcorp
Classification: Uncertain significance for Weaver syndrome. Last evaluated: 2020-03-27. Review status: criteria provided, single submitter. Criteria: Invitae Variant Classification Sherloc (09022015). Collection method: clinical testing. Allele origin: germline.
Comment: Algorithms developed to predict the effect of missense changes on protein structure and function (SIFT, PolyPhen-2, Align-GVGD) all suggest that this variant is likely to be tolerated, but these predictions have not been confirmed by published functional studies and their clinical significance is uncertain. In summary, the available evidence is currently insufficient to determine the role of this variant in disease. Therefore, it has been classified as a Variant of Uncertain Significance. This variant has been observed in individual(s) with clinical features of Weaver Syndrome (PMID: 24214728, Invitae). This sequence change replaces glutamic acid with lysine at codon 148 of the EZH2 protein (p.Glu148Lys). The glutamic acid residue is highly conserved and there is a small physicochemical difference between glutamic acid and lysine. This variant is not present in population databases (ExAC no frequency).

Literature cited by the submitters: PubMed 24214728.

NM_004456.5(EZH2):c.442G>A (p.Glu148Lys)

Gene: EZH2 (enhancer of zeste 2 polycomb repressive complex 2 subunit; minus strand). Cytogenetic location: 7q36.1.
Variant type: single nucleotide variant.
Coding change: c.442G>A on transcript NM_004456.5 (MANE Select); coding-DNA position 442, G replaced by A.
Protein change: p.Glu148Lys; replaces glutamic acid 148 with lysine.
Molecular consequence: missense variant.
Genome position (GRCh38, 1-based): chr7:148,829,770, C>T on the plus strand (G>A on the coding strand, the complement: EZH2 is on the minus strand). VCF-style: chr7-148829770-C-T. GRCh37 (hg19) VCF-style: chr7-148526862-C-T.
Other names: c.442G>A, p.Glu148Lys (NM_001203247.2); c.415G>A, p.Glu139Lys (NM_001203248.2, NM_001203249.2); c.325G>A, p.Glu109Lys (NM_152998.3); short protein forms E109K, E139K, E148K.
Identifiers: ClinVar variation 1017666 (VCV001017666.9), dbSNP rs1808814702, ClinGen allele CA369721520.